The following is an entry in ClinVar:

NM_001267550.2(TTN):c.54874G>C (p.Gly18292Arg)

Genes: TTN (titin; minus strand), TTN-AS1 (TTN antisense RNA 1; plus strand). Cytogenetic location: 2q31.2.
Variant type: single nucleotide variant.
Coding change: c.54874G>C on transcript NM_001267550.2 (MANE Select); coding-DNA position 54874, G replaced by C.
Protein change: p.Gly18292Arg; replaces glycine 18292 with arginine.
Molecular consequence: missense variant.
Genome position (GRCh38, 1-based): chr2:178,602,528, C>G on the plus strand (G>C on the coding strand, the complement: TTN is on the minus strand). VCF-style: chr2-178602528-C-G. GRCh37 (hg19) VCF-style: chr2-179467255-C-G.
Other names: c.49951G>C, p.Gly16651Arg (NM_001256850.1); c.47170G>C, p.Gly15724Arg (NM_133378.4); c.27679G>C, p.Gly9227Arg (NM_003319.4); c.28054G>C, p.Gly9352Arg (NM_133432.3); c.28255G>C, p.Gly9419Arg (NM_133437.4); short protein forms G15724R, G18292R, G16651R, G9227R, G9352R, G9419R.
Identifiers: ClinVar variation 165972 (VCV000165972.7), dbSNP rs377512675, ClinGen allele CA178724.

ClinVar aggregate classification (germline): Conflicting classifications of pathogenicity. Review status: criteria provided, conflicting classifications (1 of 4 stars). 4 submissions from 4 submitters: Uncertain significance (3); Likely benign (1). Last evaluated 2025-08-28.

Conditions:
TTN-related disorder. Also called: TTN-related condition; TTN-related disease; TTN-related disorders.

Allele frequency attached by ClinVar (database versions not stated): gnomAD 0.00001 and 0.00002; TOPMed 0.00002; gnomAD exomes 0.00004 and 0.00005; ExAC 0.00008; ESP Exome Variant Server 0.00008.
gnomAD v4.1: 74 of 1,604,886 alleles (0.0046%); highest among the groups gnomAD compares: Non-Finnish European, 0.0061%; no homozygotes.

Submissions (4):

PreventionGenetics, part of Exact Sciences
Classification: Uncertain significance for TTN-related condition. Last evaluated: 2025-08-28. Review status: criteria provided, single submitter. Criteria: ACMG Guidelines, 2015. Collection method: clinical testing. Allele origin: germline.
Comment: The TTN c.54874G>C variant is predicted to result in the amino acid substitution p.Gly18292Arg. To our knowledge, this variant has not been reported in the literature. This variant is reported in 0.0085% of alleles in individuals of European (Non-Finnish) descent in gnomAD. At this time, the clinical significance of this variant is uncertain due to the absence of conclusive functional and genetic evidence.

GeneDx
Classification: Likely benign. Last evaluated: 2017-12-05. Review status: criteria provided, single submitter. Criteria: GeneDx Variant Classification (06012015). Collection method: clinical testing. Allele origin: germline. Affected: yes.
Comment: This variant is considered likely benign or benign based on one or more of the following criteria: it is a conservative change, it occurs at a poorly conserved position in the protein, it is predicted to be benign by multiple in silico algorithms, and/or has population frequency not consistent with disease.

Laboratory for Molecular Medicine, Mass General Brigham Personalized Medicine
Classification: Uncertain significance. Last evaluated: 2013-09-19. Review status: criteria provided, single submitter. Criteria: LMM Criteria. Collection method: clinical testing. Allele origin: germline. Observed: 1 variant allele.
Comment: Variant classified as Uncertain Significance - Favor Benign. The Gly15724Arg var iant in TTN has not been reported in individuals with cardiomyopathy but has bee n identified in 1/8178 European American chromosomes by the NHLBI Exome Sequenci ng Project (dbSNP rs377512675). Glycine (Gly) at position 15724 is not conserved across mammals and suggests that a change at this position may be tolerated despite high adjacent conservation. Additionally , computational analyses (biochemical amino acid properties, AlignGVGD, PolyPhen 2, and SIFT) do not provide strong support for or against an impact to the norma l function of the protein. In summary, additional information is needed to fully assess the clinical significance of the Gly15724Arg variant.

Biesecker Lab/Clinical Genomics Section, National Institutes of Health
Classification: Uncertain significance. Last evaluated: 2013-06-24. Review status: criteria provided, single submitter. Criteria: Ng et al. (Circ Cardiovasc Genet. 2013). Collection method: research. Allele origin: unknown. Observed: 1 variant allele. Study: ClinSeq.
Comment: The study set was not selected for affection status in relation to any cancer. Pathogenicity categories were based on literature curation. See Pubmed ID:23861362 for details.

Medical sequencing